The following is an entry in ClinVar:

NM_201384.3(PLEC):c.13220C>G (p.Pro4407Arg)

Gene: PLEC (plectin; minus strand). Cytogenetic location: 8q24.3.
Variant type: single nucleotide variant.
Coding change: c.13220C>G on transcript NM_201384.3 (MANE Select); coding-DNA position 13220, C replaced by G.
Protein change: p.Pro4407Arg; replaces proline 4407 with arginine.
Molecular consequence: missense variant.
Genome position (GRCh38, 1-based): chr8:143,916,601, G>C on the plus strand (C>G on the coding strand, the complement: PLEC is on the minus strand). VCF-style: chr8-143916601-G-C. GRCh37 (hg19) VCF-style: chr8-144990769-G-C.
Other names: c.13301C>G, p.Pro4434Arg (NM_000445.5); c.13178C>G, p.Pro4393Arg (NM_201378.4); c.13154C>G, p.Pro4385Arg (NM_201379.3); c.13631C>G, p.Pro4544Arg (NM_201380.4); c.13124C>G, p.Pro4375Arg (NM_201381.3); c.13220C>G, p.Pro4407Arg (NM_201382.4); c.13232C>G, p.Pro4411Arg (NM_201383.3); short protein forms P4375R, P4385R, P4393R, P4407R, P4411R, P4434R, P4544R.
Identifiers: ClinVar variation 487244 (VCV000487244.9), dbSNP rs1554669693, ClinGen allele CA372475936.
Genomic context (GRCh38, chr8:143,916,601, plus strand): 5'-TCACGCAGCTTCTGTGCGGTGCGGGCGTCCACCGTGCCGCGCTGCAGGGCCTCGTCCAGG[G>C]GCACGCGGCCCGGCGTGTCGGGCTCGATCAAGCCGCCGGTCAGGTACTGCACCTCCAGGA-3'
Protein context (NP_958786.1, residues 4397-4417): LIEPDTPGRV[Pro4407Arg]LDEALQRGTV

ClinVar aggregate classification (germline): Uncertain significance (1 of 4 stars; one submission).

Conditions:
Autosomal recessive limb-girdle muscular dystrophy type 2Q (LGMDR17). Also called: MUSCULAR DYSTROPHY, LIMB-GIRDLE, AUTOSOMAL RECESSIVE 17. Identifiers: Orphanet 254361, MedGen C3150989, MONDO:0013390, OMIM 613723.
Epidermolysis bullosa simplex with nail dystrophy (EBS5D). Identifiers: MedGen C4225309, MONDO:0014661, OMIM 616487.
Epidermolysis bullosa simplex 5B, with muscular dystrophy (EBS5B). Also called: EPIDERMOLYSIS BULLOSA SIMPLEX AND LIMB-GIRDLE MUSCULAR DYSTROPHY; Epidermolysis bullosa simplex with muscular dystrophy. Identifiers: Orphanet 257, MedGen C2931072, MONDO:0009181, OMIM 226670.
Epidermolysis bullosa simplex, Ogna type (EBS5A). Also called: EPIDERMOLYSIS BULLOSA SIMPLEX 5A, OGNA TYPE; Pidermolysis bullosa simplex 5A, Ogna type. Identifiers: Orphanet 79401, MedGen C0432317, MONDO:0007555, OMIM 131950.
Epidermolysis bullosa simplex 5C, with pyloric atresia (EBS5C). Also called: PLEC-Related Epidermolysis Bullosa with Pyloric Atresia; Epidermolysis bullosa simplex with pyloric atresia; PLEC1-Related Epidermolysis Bullosa with Pyloric Atresia. Identifiers: Orphanet 158684, MedGen C2677349, MONDO:0012807, OMIM 612138.

Submission:

Labcorp Genetics (formerly Invitae), Labcorp
Classification: Uncertain significance for Autosomal recessive limb-girdle muscular dystrophy type 2Q; Epidermolysis bullosa simplex, Ogna type; Epidermolysis bullosa simplex with nail dystrophy; Epidermolysis bullosa simplex 5C, with pyloric atresia; Epidermolysis bullosa simplex 5B, with muscular dystrophy. Last evaluated: 2017-06-27. Review status: criteria provided, single submitter. Criteria: Invitae Variant Classification Sherloc (09022015). Collection method: clinical testing. Allele origin: germline.
Comment: This sequence change replaces proline with arginine at codon 4434 of the PLEC protein (p.Pro4434Arg). The proline residue is moderately conserved and there is a moderate physicochemical difference between proline and arginine. This variant is not present in population databases (ExAC no frequency). This variant has not been reported in the literature in individuals with PLEC-related disease. Algorithms developed to predict the effect of missense changes on protein structure and function do not agree on the potential impact of this missense change (SIFT: "Tolerated"; PolyPhen-2: "Probably Damaging"; Align-GVGD: "Class C15"). In summary, the available evidence is currently insufficient to determine the role of this variant in disease. Therefore, it has been classified as a Variant of Uncertain Significance.